The following is an entry in ClinVar:

NM_000270.4(PNP):c.11+3G>A

Gene: PNP (purine nucleoside phosphorylase; plus strand). Cytogenetic location: 14q11.2.
Variant type: single nucleotide variant.
Coding change: c.11+3G>A on transcript NM_000270.4 (MANE Select); 3 bases into the intron after coding-DNA position 11, G replaced by A.
Molecular consequence: intron variant.
Genome position (GRCh38, 1-based): chr14:20,469,538, G>A. VCF-style: chr14-20469538-G-A. GRCh37 (hg19) VCF-style: chr14-20937697-G-A.
Identifiers: ClinVar variation 1348177 (VCV001348177.6), dbSNP rs2139331881, ClinGen allele CA2573149821.

ClinVar aggregate classification (germline): Uncertain significance (1 of 4 stars; one submission).

Conditions:
Purine-nucleoside phosphorylase deficiency. Also called: NUCLEOSIDE PHOSPHORYLASE DEFICIENCY; Immunodeficiency due to purine nucleoside phosphorylase deficiency. Identifiers: Orphanet 760, MedGen C0268125, MONDO:0013171, OMIM 613179.

Allele frequency attached by ClinVar (database versions not stated): gnomAD exomes below 0.00001.

Submission:

Labcorp Genetics (formerly Invitae), Labcorp
Classification: Uncertain significance for Purine-nucleoside phosphorylase deficiency. Last evaluated: 2022-06-27. Review status: criteria provided, single submitter. Criteria: Invitae Variant Classification Sherloc (09022015). Collection method: clinical testing. Allele origin: germline.
Comment: In summary, the available evidence is currently insufficient to determine the role of this variant in disease. Therefore, it has been classified as a Variant of Uncertain Significance. Variants that disrupt the consensus splice site are a relatively common cause of aberrant splicing (PMID: 17576681, 9536098). Algorithms developed to predict the effect of sequence changes on RNA splicing suggest that this variant is not likely to affect RNA splicing. This variant has not been reported in the literature in individuals affected with PNP-related conditions. This variant is not present in population databases (gnomAD no frequency). This sequence change falls in intron 1 of the PNP gene. It does not directly change the encoded amino acid sequence of the PNP protein. It affects a nucleotide within the consensus splice site.

Literature cited by the submitters: PubMed 17576681; PubMed 9536098.